The following is an entry in ClinVar:

ClinVar aggregate classification (germline): Uncertain significance (1 of 4 stars; one submission).

Allele frequency attached by ClinVar (database versions not stated): gnomAD 0.00001; TOPMed 0.00001; gnomAD exomes below 0.00001.
gnomAD v4.1: 4 of 1,614,106 alleles (0.00025%); highest among the groups gnomAD compares: Non-Finnish European, 0.00034%; no homozygotes.

Submission:

Labcorp Genetics (formerly Invitae), Labcorp
Classification: Uncertain significance. Last evaluated: 2026-01-11. Review status: criteria provided, single submitter. Criteria: Invitae Variant Classification Sherloc (09022015). Collection method: clinical testing. Allele origin: germline.
Comment: This sequence change replaces valine, which is neutral and non-polar, with isoleucine, which is neutral and non-polar, at codon 508 of the COL4A1 protein (p.Val508Ile). This variant is present in population databases (no rsID available, gnomAD 0.0009%). This variant has not been reported in the literature in individuals affected with COL4A1-related conditions. ClinVar contains an entry for this variant (Variation ID: 1967868). Invitae Evidence Modeling of protein sequence and biophysical properties (such as structural, functional, and spatial information, amino acid conservation, physicochemical variation, residue mobility, and thermodynamic stability) indicates that this missense variant is not expected to disrupt COL4A1 protein function with a negative predictive value of 95%. In summary, the available evidence is currently insufficient to determine the role of this variant in disease. Therefore, it has been classified as a Variant of Uncertain Significance.

NM_001845.6(COL4A1):c.1522G>A (p.Val508Ile)

Gene: COL4A1 (collagen type IV alpha 1 chain; minus strand). Cytogenetic location: 13q34.
Variant type: single nucleotide variant.
Coding change: c.1522G>A on transcript NM_001845.6 (MANE Select); coding-DNA position 1522, G replaced by A.
Protein change: p.Val508Ile; replaces valine 508 with isoleucine.
Molecular consequence: missense variant.
Genome position (GRCh38, 1-based): chr13:110,192,228, C>T on the plus strand (G>A on the coding strand, the complement: COL4A1 is on the minus strand). VCF-style: chr13-110192228-C-T. GRCh37 (hg19) VCF-style: chr13-110844575-C-T.
Other names: c.1522G>A, p.Val508Ile (NM_001303110.2); short protein forms V508I.
Identifiers: ClinVar variation 1967868 (VCV001967868.5), dbSNP rs1482050253, ClinGen allele CA388723340.
Genomic context (GRCh38, chr13:110,192,228, plus strand): 5'-GGTGGCAACTTCTGATATGTACATGAACTCAGACAGGTTTACTTACTGGCACTCCTGCAA[C>T]ACCATCTCTGCCAGGCAAACCTCTGTCGCCCTTGGCCCCTGGCTGCCCTGGGAAACCTTT-3'
Protein context (NP_001836.3, residues 498-518): GDRGLPGRDG[Val508Ile]AGVPGPQGTP